The following is an entry in ClinVar:

NM_004366.6(CLCN2):c.2251C>T (p.Arg751Cys)

Gene: CLCN2 (chloride voltage-gated channel 2; minus strand). Cytogenetic location: 3q27.1.
Variant type: single nucleotide variant.
Coding change: c.2251C>T on transcript NM_004366.6 (MANE Select); coding-DNA position 2251, C replaced by T.
Protein change: p.Arg751Cys; replaces arginine 751 with cysteine.
Molecular consequence: missense variant.
Genome position (GRCh38, 1-based): chr3:184,352,463, G>A on the plus strand (C>T on the coding strand, the complement: CLCN2 is on the minus strand). VCF-style: chr3-184352463-G-A. GRCh37 (hg19) VCF-style: chr3-184070251-G-A.
Other names: c.2200C>T, p.Arg734Cys (NM_001171087.3); c.2119C>T, p.Arg707Cys (NM_001171088.3); c.2251C>T, p.Arg751Cys (NM_001171089.3); c.2251C>T (NM_004366.4); short protein forms R707C, R734C, R751C.
Identifiers: ClinVar variation 3622300 (VCV003622300.6).

ClinVar aggregate classification (germline): Uncertain significance. Review status: criteria provided, multiple submitters, no conflicts (2 of 4 stars). 3 submissions from 3 submitters: Uncertain significance (3). Last evaluated 2026-02-01.

Conditions:
Inborn genetic diseases. Identifiers: MedGen C0950123, MeSH D030342.
Familial hyperaldosteronism type II. Also called: FH II. Identifiers: Orphanet 404, MedGen C1854107, MONDO:0011576, OMIM 605635.
Epilepsy, idiopathic generalized, susceptibility to, 11 (EIG11). Identifiers: Orphanet 307, MedGen C2750893, MONDO:0011875, OMIM 607628.
Leukoencephalopathy with mild cerebellar ataxia and white matter edema (LKPAT). Also called: Leukoencephalopathy with ataxia; CLCN2-Related Leukoencephalopathy; Leukoencephalopathy with white matter edema; Brain white matter edema. Identifiers: Orphanet 363540, MedGen C4554120, MONDO:0014292, OMIM 615651. Disease mechanism: loss of function.

gnomAD v4.1: 19 of 1,613,168 alleles (0.0012%); highest among the groups gnomAD compares: African/African-American, 0.004%; no homozygotes.

Submissions (4):

Labcorp Genetics (formerly Invitae), Labcorp
Classification: Uncertain significance. Last evaluated: 2026-02-01. Review status: criteria provided, single submitter. Criteria: Invitae Variant Classification Sherloc (09022015). Collection method: clinical testing. Allele origin: germline.
Comment: This sequence change replaces arginine, which is basic and polar, with cysteine, which is neutral and slightly polar, at codon 751 of the CLCN2 protein (p.Arg751Cys). This variant is present in population databases (no rsID available, gnomAD 0.004%). This variant has not been reported in the literature in individuals affected with CLCN2-related conditions. ClinVar contains an entry for this variant (Variation ID: 3622300). Invitae Evidence Modeling of protein sequence and biophysical properties (such as structural, functional, and spatial information, amino acid conservation, physicochemical variation, residue mobility, and thermodynamic stability) indicates that this missense variant is not expected to disrupt CLCN2 protein function with a negative predictive value of 80%. In summary, the available evidence is currently insufficient to determine the role of this variant in disease. Therefore, it has been classified as a Variant of Uncertain Significance.

Ambry Genetics
Classification: Uncertain significance for Inborn genetic diseases. Last evaluated: 2025-01-03. Review status: criteria provided, single submitter. Criteria: Ambry Variant Classification Scheme 2023. Collection method: clinical testing. Allele origin: germline.

Juno Genomics, Hangzhou Juno Genomics, Inc
Classification: Uncertain significance for Epilepsy, idiopathic generalized, susceptibility to, 11; Familial hyperaldosteronism type II; Leukoencephalopathy with mild cerebellar ataxia and white matter edema. Review status: criteria provided, single submitter. Criteria: ACMG Guidelines, 2015. Collection method: clinical testing. Allele origin: germline.
Comment: Absent from controls (or at extremely low frequency if recessive) in Genome Aggregation Database.

Dr. Peter K. Rogan Lab, Western University
No classification provided (evidence only). Condition: Lung cancer. Review status: no classification provided. Collection method: in vitro. Allele origin: not applicable. Functional consequence: retained intron. Not counted in ClinVar's aggregate classification.